The following is an entry in ClinVar:

NM_000304.4(PMP22):c.289del (p.Tyr97fs)

Gene: PMP22 (peripheral myelin protein 22; minus strand). Cytogenetic location: 17p12.
Variant type: Deletion.
Coding change: c.289del on transcript NM_000304.4 (MANE Select); coding-DNA position 289, one base deleted (T; older notation c.289delT).
Protein change: p.Tyr97fs; shifts the reading frame from tyrosine 97.
Molecular consequence: frameshift variant. On other transcripts: non-coding transcript variant (2).
Genome position (GRCh38, 1-based): chr17:15,239,501, A deleted on the plus strand (T on the coding strand, the reverse complement: PMP22 is on the minus strand); the first of 4 consecutive A bases (chr17:15,239,501-15,239,504); deleting any one gives the same sequence. VCF-style (leftmost placement, unchanged base first): chr17-15239500-TA-T. GRCh37 (hg19) VCF-style: chr17-15142817-TA-T.
Other names: c.289del, p.Tyr97fs (NM_001281455.2, NM_001281456.2, NM_001330143.2 and 2 more transcripts); c.289delT (NM_000304.4); short protein forms Y97fs.
Identifiers: ClinVar variation 637846 (VCV000637846.3), dbSNP rs1597607713, ClinGen allele CA915949581.

ClinVar aggregate classification (germline): Uncertain significance. Review status: no assertion criteria provided (0 of 4 stars). 2 submissions from 2 submitters: Uncertain significance (1). 1 of the submissions does not count toward it.

Conditions:
Hereditary liability to pressure palsies (HNPP). Also called: POLYNEUROPATHY, FAMILIAL RECURRENT; TOMACULOUS NEUROPATHY; Hereditary Neuropathy with Liability to Pressure Palsies. Identifiers: Orphanet 640, MedGen C0393814, MONDO:0008087, OMIM 162500.
Charcot-Marie-Tooth disease. Also called: Charcot-Marie-Tooth Neuropathy; Charcot-Marie-Tooth Hereditary Neuropathy. Identifiers: Orphanet 166, MedGen C0007959, MONDO:0015626.

Submissions (2):

GeneReviews
No classification provided. Condition: Hereditary liability to pressure palsies. Review status: no classification provided. Collection method: literature only. Allele origin: germline. Not counted in ClinVar's aggregate classification.
Comment: Associated with painful neuropathy without recurrent nerve palsies in one family [Yurrebaso et al 2014]

Inherited Neuropathy Consortium
Classification: Uncertain significance for Charcot-Marie-Tooth disease. Review status: no assertion criteria provided. Collection method: literature only. Allele origin: germline. Affected: yes.

Literature cited by the submitters: PubMed 24239057 (cited by GeneReviews and Inherited Neuropathy Consortium); NCBI Bookshelf NBK1392 (cited by GeneReviews).